The following is an entry in ClinVar:

ClinVar aggregate classification (germline): Uncertain significance (1 of 4 stars; one submission).

Conditions:
Cardiovascular phenotype. Identifiers: MedGen CN230736.

Submission:

Ambry Genetics
Classification: Uncertain significance for Cardiovascular phenotype. Last evaluated: 2023-11-30. Review status: criteria provided, single submitter. Criteria: Ambry Variant Classification Scheme 2023. Collection method: clinical testing. Allele origin: germline.
Comment: The p.L412V variant (also known as c.1234C>G), located in coding exon 9 of the ABCG5 gene, results from a C to G substitution at nucleotide position 1234. The leucine at codon 412 is replaced by valine, an amino acid with highly similar properties. This amino acid position is conserved. In addition, this alteration is predicted to be tolerated by in silico analysis. Since supporting evidence is limited at this time, the clinical significance of this alteration remains unclear.

NM_022436.3(ABCG5):c.1234C>G (p.Leu412Val)

Genes: ABCG5 (ATP binding cassette subfamily G member 5; minus strand), DYNC2LI1 (dynein cytoplasmic 2 light intermediate chain 1; plus strand). Cytogenetic location: 2p21.
Variant type: single nucleotide variant.
Coding change: c.1234C>G on transcript NM_022436.3 (MANE Select); coding-DNA position 1234, C replaced by G.
Protein change: p.Leu412Val; replaces leucine 412 with valine.
Molecular consequence: missense variant. On other transcripts: intron variant (2).
Genome position (GRCh38, 1-based): chr2:43,824,003, G>C on the plus strand (C>G on the coding strand, the complement: ABCG5 is on the minus strand). VCF-style: chr2-43824003-G-C. GRCh37 (hg19) VCF-style: chr2-44051142-G-C.
Other names: c.*16-3383G>C (NM_001348913.2, NM_001348912.2); short protein forms L412V.
Identifiers: ClinVar variation 3227753 (VCV003227753.1), dbSNP rs2466001084, ClinGen allele CA346664220.